The following is an entry in ClinVar:

ClinVar aggregate classification (germline): Uncertain significance. Review status: criteria provided, multiple submitters, no conflicts (2 of 4 stars). 2 submissions from 2 submitters: Uncertain significance (2). Last evaluated 2025-06-02.

Allele frequency attached by ClinVar (database versions not stated): ExAC 0.00001; TOPMed 0.00005; gnomAD 0.00008; gnomAD exomes 0.00010; 1000 Genomes Project 30x 0.00016; 1000 Genomes Project 0.00020.
gnomAD v4.1: 156 of 1,613,840 alleles (0.0097%); highest among the groups gnomAD compares: Non-Finnish European, 0.012%; no homozygotes.

Submissions (2):

Labcorp Genetics (formerly Invitae), Labcorp
Classification: Uncertain significance. Last evaluated: 2025-06-02. Review status: criteria provided, single submitter. Criteria: Invitae Variant Classification Sherloc (09022015). Collection method: clinical testing. Allele origin: germline.
Comment: This sequence change replaces arginine, which is basic and polar, with histidine, which is basic and polar, at codon 79 of the POLD2 protein (p.Arg79His). This variant is present in population databases (rs571555844, gnomAD 0.01%). This variant has not been reported in the literature in individuals affected with POLD2-related conditions. ClinVar contains an entry for this variant (Variation ID: 2175406). Experimental studies and prediction algorithms are not available or were not evaluated, and the functional significance of this variant is currently unknown. In summary, the available evidence is currently insufficient to determine the role of this variant in disease. Therefore, it has been classified as a Variant of Uncertain Significance.

Ambry Genetics
Classification: Uncertain significance. Last evaluated: 2023-01-20. Review status: criteria provided, single submitter. Criteria: Ambry Variant Classification Scheme 2023. Collection method: clinical testing. Allele origin: germline.

NM_006230.4(POLD2):c.131G>A (p.Arg44His)

Gene: POLD2 (DNA polymerase delta 2, accessory subunit; minus strand). Cytogenetic location: 7p13.
Variant type: single nucleotide variant.
Coding change: c.131G>A on transcript NM_006230.4 (MANE Select); coding-DNA position 131, G replaced by A.
Protein change: p.Arg44His; replaces arginine 44 with histidine.
Molecular consequence: missense variant.
Genome position (GRCh38, 1-based): chr7:44,121,923, C>T on the plus strand (G>A on the coding strand, the complement: POLD2 is on the minus strand). VCF-style: chr7-44121923-C-T. GRCh37 (hg19) VCF-style: chr7-44161522-C-T.
Other names: c.131G>A, p.Arg44His (NM_001127218.3, NM_001256879.2); c.131G>A (NM_001127218.1); short protein forms R44H.
Identifiers: ClinVar variation 2175406 (VCV002175406.6), dbSNP rs571555844, ClinGen allele CA4238979.
Genomic context (GRCh38, chr7:44,121,923, plus strand): 5'-AAGGGTCTCATTTGGATGAGGCGGGTGGCATAAATGTGGGCATACTGCCGGCTAAAGCTG[C>T]GCTCTCCTAGCCGGAAGGGTTGTGAGGAGTTGGTGTAGGTTGCCACTGGCACCCGGGCAA-3'
Protein context (NP_006221.3, residues 34-54): NSSQPFRLGE[Arg44His]SFSRQYAHIY